The following is an entry in ClinVar:

NM_000440.3(PDE6A):c.784G>A (p.Ala262Thr)

Gene: PDE6A (phosphodiesterase 6A; minus strand). Cytogenetic location: 5q32.
Variant type: single nucleotide variant.
Coding change: c.784G>A on transcript NM_000440.3 (MANE Select); coding-DNA position 784, G replaced by A.
Protein change: p.Ala262Thr; replaces alanine 262 with threonine.
Molecular consequence: missense variant.
Genome position (GRCh38, 1-based): chr5:149,931,102, C>T on the plus strand (G>A on the coding strand, the complement: PDE6A is on the minus strand). VCF-style: chr5-149931102-C-T. GRCh37 (hg19) VCF-style: chr5-149310665-C-T.
Other names: short protein forms A262T.
Identifiers: ClinVar variation 285044 (VCV000285044.24), dbSNP rs148938083, ClinGen allele CA3504944.
Genomic context (GRCh38, chr5:149,931,102, plus strand): 5'-TGTCTAAGAGACCCACAGAGTATCTGTCACAGTTGAGGAAAGCACGGACTGTGTACAGGG[C>T]TTTGTGGAACTGTCGTTCGATGTCCGTAAGTTCTTCAAAGACTTTGCTCCCAGACCACAG-3'
Protein context (NP_000431.2, residues 252-272): LTDIERQFHK[Ala262Thr]LYTVRAFLNC

ClinVar aggregate classification (germline): Conflicting classifications of pathogenicity. Review status: criteria provided, conflicting classifications (1 of 4 stars). 9 submissions from 9 submitters: Uncertain significance (7); Likely benign (2). Last evaluated 2026-02-01.

Conditions:
Retinitis pigmentosa (RP). Identifiers: Orphanet 791, MedGen C0035334, MeSH D012174, MONDO:0019200, OMIM 268000. Inheritance: Autosomal dominant, autosomal recessive and X linked inheritance.
PDE6A-related disorder. Also called: PDE6A-related condition.
Retinal dystrophy. Also called: Inherited retinal dystrophy. Identifiers: Orphanet 71862, MedGen C0854723, MeSH D058499, MONDO:0019118, HP:0000556.
Retinitis pigmentosa 43 (RP43). Identifiers: Orphanet 791, MedGen C3151139, MONDO:0013437, OMIM 613810.

Allele frequency attached by ClinVar (database versions not stated): 1000 Genomes Project 0.00060; 1000 Genomes Project 30x 0.00062; ExAC 0.00064; TOPMed 0.00064; gnomAD exomes 0.00065 and 0.00086; gnomAD 0.00069; ESP Exome Variant Server 0.00085.
gnomAD v4.1: 1,357 of 1,614,108 alleles (0.084%); highest among the groups gnomAD compares: Non-Finnish European, 0.1%; 1 homozygote.

Submissions (9):

Labcorp Genetics (formerly Invitae), Labcorp
Classification: Likely benign. Last evaluated: 2026-02-01. Review status: criteria provided, single submitter. Criteria: Invitae Variant Classification Sherloc (09022015). Collection method: clinical testing. Allele origin: germline.

PreventionGenetics, part of Exact Sciences
Classification: Uncertain significance for PDE6A-related condition. Last evaluated: 2026-01-20. Review status: criteria provided, single submitter. Criteria: ACMG Guidelines, 2015. Collection method: clinical testing. Allele origin: germline.
Comment: The PDE6A c.784G>A variant is predicted to result in the amino acid substitution p.Ala262Thr. This variant has been reported in individuals with inherited retinal disease (Table S2, Eisenberger et al. 2013. PubMed ID: 24265693; Table S3, Mihalich et al. 2024. PubMed ID: 38927702); however, in one case, the individual had multiple other variants were reported, none of which were an apparent molecular diagnosis (Table S3, Mihalich et al. 2024. PubMed ID: 38927702). This variant is reported in 0.14% of alleles in individuals of Ashkenazi Jewish descent in gnomAD. Although we suspect that this variant may be benign, at this time, the clinical significance of this variant is uncertain due to the absence of conclusive functional and genetic evidence.

Blueprint Genetics
Classification: Likely benign. Last evaluated: 2024-11-15. Review status: criteria provided, single submitter. Criteria: ACMG Guidelines, 2015. Collection method: clinical testing. Allele origin: germline.

Dept Of Ophthalmology, Nagoya University
Classification: Uncertain significance for Retinal dystrophy. Last evaluated: 2023-10-01. Review status: criteria provided, single submitter. Criteria: Submitter's publication. Collection method: research. Allele origin: germline. Affected: yes.

Institute of Human Genetics, Univ. Regensburg, Univ. Regensburg
Classification: Uncertain significance for Retinal dystrophy. Last evaluated: 2023-01-01. Review status: criteria provided, single submitter. Criteria: ACMG Guidelines, 2015. Collection method: clinical testing. Allele origin: germline. Affected: yes.

Fulgent Genetics
Classification: Uncertain significance for Retinitis pigmentosa 43. Last evaluated: 2022-03-11. Review status: criteria provided, single submitter. Criteria: ACMG Guidelines, 2015. Collection method: clinical testing. Allele origin: unknown.

GeneDx
Classification: Uncertain significance. Last evaluated: 2019-11-26. Review status: criteria provided, single submitter. Criteria: GeneDx Variant Classification Process June 2021. Collection method: clinical testing. Allele origin: germline. Affected: yes.
Comment: In silico analysis, which includes protein predictors and evolutionary conservation, supports a deleterious effect; Identified as a single heterozygous variant in individuals with retinitis pigmentosa in published literature (Anasagasti et al., 2013; Eisenberger et al., 2013); This variant is associated with the following publications: (PMID: 26901136, 24265693, 24416769)

Illumina Laboratory Services, Illumina
Classification: Uncertain significance for Retinitis pigmentosa. Last evaluated: 2018-01-12. Review status: criteria provided, single submitter. Criteria: ICSL Variant Classification Criteria 13 December 2019. Collection method: clinical testing. Allele origin: germline.

Eurofins Ntd Llc (ga)
Classification: Uncertain significance. Last evaluated: 2015-12-01. Review status: criteria provided, single submitter. Criteria: EGL Classification Definitions 2015. Collection method: clinical testing. Allele origin: germline. Observed: 2 variant alleles, 2 heterozygotes.

Literature cited by the submitters: PubMed 24265693 (cited by Institute of Human Genetics, Univ. Regensburg, Univ. Regensburg).